The following is an entry in ClinVar:

ClinVar aggregate classification (germline): Uncertain significance. Review status: criteria provided, multiple submitters, no conflicts (2 of 4 stars). 3 submissions from 3 submitters: Uncertain significance (3). Last evaluated 2026-09-23.

Conditions:
SYNE1-related disorder. Also called: SYNE1-related disorders; SYNE1-related disease; SYNE1-related condition.
Autosomal recessive ataxia, Beauce type. Also called: Spinocerebellar ataxia, autosomal recessive 8; ATAXIA, RECESSIVE, OF BEAUCE; SYNE1-Related Autosomal Recessive Cerebellar Ataxia; SYNE1 Deficiency. Identifiers: Orphanet 88644, MedGen C1853116, MONDO:0012549, OMIM 610743.
Emery-Dreifuss muscular dystrophy 4, autosomal dominant (EDMD4). Also called: EMERY-DREIFUSS MUSCULAR DYSTROPHY 4 WITH VARIABLE FEATURES. Identifiers: Orphanet 261, MedGen C2751807, MONDO:0013071, OMIM 612998.

Allele frequency attached by ClinVar (database versions not stated): gnomAD exomes 0.00004; gnomAD 0.00001; ExAC 0.00002; TOPMed 0.00002.
gnomAD v4.1: 12 of 1,613,964 alleles (0.00074%); highest among the groups gnomAD compares: East Asian, 0.022%; no homozygotes.

Submissions (3):

PreventionGenetics, part of Exact Sciences
Classification: Uncertain significance for SYNE1-related condition. Last evaluated: 2026-09-23. Review status: criteria provided, single submitter. Criteria: ACMG Guidelines, 2015. Collection method: clinical testing. Allele origin: germline.
Comment: The SYNE1 c.7496C>A variant is predicted to result in the amino acid substitution p.Ala2499Asp. To our knowledge, this variant has not been reported in the literature. This variant is reported in 0.045% of alleles in individuals of East Asian descent in gnomAD. At this time, the clinical significance of this variant is uncertain due to the absence of conclusive functional and genetic evidence.

Labcorp Genetics (formerly Invitae), Labcorp
Classification: Uncertain significance for Emery-Dreifuss muscular dystrophy 4, autosomal dominant; Autosomal recessive ataxia, Beauce type. Last evaluated: 2022-06-13. Review status: criteria provided, single submitter. Criteria: Invitae Variant Classification Sherloc (09022015). Collection method: clinical testing. Allele origin: germline.
Comment: Algorithms developed to predict the effect of missense changes on protein structure and function are either unavailable or do not agree on the potential impact of this missense change (SIFT: "Deleterious"; PolyPhen-2: "Benign"; Align-GVGD: "Class C0"). In summary, the available evidence is currently insufficient to determine the role of this variant in disease. Therefore, it has been classified as a Variant of Uncertain Significance. ClinVar contains an entry for this variant (Variation ID: 286595). This variant has not been reported in the literature in individuals affected with SYNE1-related conditions. This variant is present in population databases (rs773876679, gnomAD 0.04%). This sequence change replaces alanine, which is neutral and non-polar, with aspartic acid, which is acidic and polar, at codon 2499 of the SYNE1 protein (p.Ala2499Asp).

Eurofins Ntd Llc (ga)
Classification: Uncertain significance. Last evaluated: 2016-03-10. Review status: criteria provided, single submitter. Criteria: EGL Classification Definitions 2015. Collection method: clinical testing. Allele origin: germline. Observed: 1 variant allele, 1 heterozygote.

NM_182961.4(SYNE1):c.7475C>A (p.Ala2492Asp)

Gene: SYNE1 (spectrin repeat containing nuclear envelope protein 1; minus strand). Cytogenetic location: 6q25.2.
Variant type: single nucleotide variant.
Coding change: c.7475C>A on transcript NM_182961.4 (MANE Select); coding-DNA position 7475, C replaced by A.
Protein change: p.Ala2492Asp; replaces alanine 2492 with aspartic acid.
Molecular consequence: missense variant.
Genome position (GRCh38, 1-based): chr6:152,396,856, G>T on the plus strand (C>A on the coding strand, the complement: SYNE1 is on the minus strand). VCF-style: chr6-152396856-G-T. GRCh37 (hg19) VCF-style: chr6-152717991-G-T.
Other names: c.7496C>A, p.Ala2499Asp (NM_033071.5); short protein forms A2499D, A2492D.
Identifiers: ClinVar variation 286595 (VCV000286595.13), dbSNP rs773876679, ClinGen allele CA4057812.